The following is an entry in ClinVar:

ClinVar aggregate classification (germline): Pathogenic. Review status: reviewed by expert panel (3 of 4 stars). 17 submissions from 17 submitters: Pathogenic (1). 16 of the submissions do not count toward it. Last evaluated 2026-02-18.

Conditions:
Autosomal recessive limb-girdle muscular dystrophy. Identifiers: Orphanet 102015, MedGen C2931907, MONDO:0015152.
CAPN3-related disorder. Also called: CAPN3-related disorders; CAPN3-related condition. Identifiers: MedGen CN239245.
Autosomal recessive limb-girdle muscular dystrophy type 2A (LGMDR1). Also called: MUSCULAR DYSTROPHY, PELVOFEMORAL; LEYDEN-MOEBIUS MUSCULAR DYSTROPHY; Limb-girdle muscular dystrophy, type 2A; Calpainopathy; Muscular dystrophy, limb-girdle, type 2A, Amish. Identifiers: Orphanet 267, MedGen C1869123, MONDO:0009675, OMIM 253600. Disease mechanism: loss of function.
Muscular dystrophy, limb-girdle, autosomal dominant 4. Also called: MUSCULAR DYSTROPHY, LIMB-GIRDLE, TYPE 1I; Calpain-3-related limb-girdle muscular dystrophy D4. Identifiers: Orphanet 565909, MedGen C4748295, MONDO:0029133, OMIM 618129.

Allele frequency attached by ClinVar (database versions not stated): ExAC 0.00011; gnomAD exomes 0.00020 and 0.00008; gnomAD 0.00016 and 0.00018; TOPMed 0.00017; ESP Exome Variant Server 0.00023.
gnomAD v4.1: 314 of 1,614,012 alleles (0.019%); highest among the groups gnomAD compares: Non-Finnish European, 0.026%; no homozygotes.

Submissions 1 to 10 of 17:

ClinGen Limb Girdle Muscular Dystrophy Variant Curation Expert Panel, ClinGen
Classification: Pathogenic for Autosomal recessive limb-girdle muscular dystrophy. Last evaluated: 2026-02-18. Review status: reviewed by expert panel. Criteria: ClinGen LGMD VCEP ACMG Specifications CAPN3 V2.0.0. Collection method: curation. Allele origin: germline. Inheritance: Autosomal recessive inheritance.
Comment: The NM_000070.3: c.2393C>A variant in CAPN3 is a missense variant predicted to cause substitution of alanine by glutamic acid at amino acid 798, p.(Ala798Glu). This variant has been detected in at least 10 individuals with features consistent with limb girdle muscular dystrophy (PMID: 38794994, 37526466, 31555977, 19556129, 30919934), including in a homozygous state without reported consanguinity in one patient (0.5 pts, PMID: 31555977), in unconfirmed phase with a pathogenic variant in two patients (c.598_612del p.(Phe200_Leu204del), 0.5pts, PMID: 38794994; c.550del p.(Thr184ArgfsTer36), 0.5 pts, PMID: 38794994), and confirmed in trans with a pathogenic variant in four patients (c.550del p.(Thr184Argfs36),1 pt, PMID: 37526466; c.1194-9A>G,1 pt, PMID: 37526466; c.1621C>T p.(Arg541Trp), 1 pt, PMID: 19556129; c.2362_2363delinsTCATCT p.(Arg788SerfsTer14),1 pt, PMID: 30919934) (PM3_Very Strong). At least one patient with this variant and a second presumed diagnostic CAPN3 variant displayed progressive limb girdle muscle weakness and absent calpain-3 protein expression, which is highly specific for CAPN3-related LGMD (PP4_Strong; PMID: 18055493, 19556129). The upper bound of the 95% confidence interval of the Grpmax variant allele frequency in gnomAD v4.1.0 is 0.0002868 (308/1179972 European (non-Finnish) exome and genome chromosomes), which is greater than the ClinGen LGMD VCEP threshold <0.0001 for PM2_Supporting (criterion not met). The computational predictor REVEL gives a score of 0.687, which is less than the Clingen LGMD VCEP threshold of ≥0.7. In summary, this variant meets the criteria to be classified as Pathogenic for autosomal recessive limb girdle muscular dystrophy based on the ACMG/AMP criteria applied, as specified by the ClinGen LGMD VCEP (specifications version 2.0.0; 02/18/2026): PM3_VeryStrong, PP4_Strong.

GeneDx
Classification: Pathogenic. Last evaluated: 2026-09-29. Review status: criteria provided, single submitter. Criteria: GeneDx Variant Classification Process June 2021. Collection method: clinical testing. Allele origin: germline. Not counted in ClinVar's aggregate classification.
Comment: Not observed at significant frequency in large population cohorts (gnomAD); In silico analysis supports that this missense variant has a deleterious effect on protein structure/function; This variant is associated with the following publications: (PMID: 10330340, 25525159, 11053681, 25135358, 27447704, 22443334, 18055493, 17994539, 18337726, 19556129, 26886200, 34405919, 39678382, 37273706, 30919934)

Labcorp Genetics (formerly Invitae), Labcorp
Classification: Pathogenic for Autosomal recessive limb-girdle muscular dystrophy type 2A. Last evaluated: 2026-01-28. Review status: criteria provided, single submitter. Criteria: Invitae Variant Classification Sherloc (09022015). Collection method: clinical testing. Allele origin: germline. Not counted in ClinVar's aggregate classification.
Comment: This sequence change replaces alanine, which is neutral and non-polar, with glutamic acid, which is acidic and polar, at codon 798 of the CAPN3 protein (p.Ala798Glu). This variant is present in population databases (rs149095128, gnomAD 0.02%). This missense change has been observed in individual(s) with autosomal recessive limb-girdle muscular dystrophy type 2A (PMID: 17994539, 18055493, 18337726, 19556129, 22443334, 23169433, 25135358; internal data). In at least one individual the data is consistent with being in trans (on the opposite chromosome) from a pathogenic variant. ClinVar contains an entry for this variant (Variation ID: 92414). Invitae Evidence Modeling of protein sequence and biophysical properties (such as structural, functional, and spatial information, amino acid conservation, physicochemical variation, residue mobility, and thermodynamic stability) indicates that this missense variant is not expected to disrupt CAPN3 protein function with a negative predictive value of 80%. Experimental studies have shown that this missense change affects CAPN3 function (PMID: 11053681, 17994539, 18055493, 18337726, 19556129, 22443334). For these reasons, this variant has been classified as Pathogenic.

Natera, Inc.
Classification: Pathogenic for Limb-girdle muscular dystrophy type 2A. Last evaluated: 2026-01-05. Review status: criteria provided, single submitter. Criteria: Natera Variant Classification Schema (03/2026). Collection method: clinical testing. Allele origin: germline. Not counted in ClinVar's aggregate classification.
Comment: The c.2393C>A variant in CAPN3 is a missense variant predicted to cause substitution of alanine to glutamic acid at amino acid 798. This variant is rare in the general population with a frequency below the threshold expected for the associated phenotype(s). This variant has been observed in one or more individuals affected with the associated recessive disease, as either homozygous or compound heterozygous with a second variant (PMID: 27447704, 25135358). Computational prediction algorithms indicate this variant is likely to affect gene or protein function. Given the available evidence, this variant is classified as Pathogenic.

PreventionGenetics, part of Exact Sciences
Classification: Pathogenic for CAPN3-related condition. Last evaluated: 2025-12-16. Review status: criteria provided, single submitter. Criteria: ACMG Guidelines, 2015. Collection method: clinical testing. Allele origin: germline. Not counted in ClinVar's aggregate classification.
Comment: The CAPN3 c.2393C>A variant is predicted to result in the amino acid substitution p.Ala798Glu. This variant has been reported in the homozygous and compound heterozygous state as pathogenic in individuals with limb-girdle muscular dystrophy (Groen et al. 2007. PubMed ID: 18055493; Stehlíková et al. 2014. PubMed ID: 25135358; Hauerslev et al. 2012. PubMed ID: 22443334). This variant is reported in 0.020% of alleles in individuals of European (non-Finnish) descent in gnomAD. This variant is interpreted as pathogenic.

Mayo Clinic Laboratories, Mayo Clinic
Classification: Pathogenic. Last evaluated: 2025-08-28. Review status: criteria provided, single submitter. Criteria: ACMG Guidelines, 2015. Collection method: clinical testing. Allele origin: germline. Observed: 1 variant allele. Not counted in ClinVar's aggregate classification.
Comment: PP3, PP4, PM2_supporting, PM3_very_strong, PS4_moderate

Revvity Omics, Revvity
Classification: Pathogenic. Last evaluated: 2025-01-02. Review status: criteria provided, single submitter. Criteria: ACMG Guidelines, 2015. Collection method: clinical testing. Allele origin: germline. Not counted in ClinVar's aggregate classification.

Blueprint Genetics
Classification: Pathogenic for CAPN3-related disorders. Last evaluated: 2024-09-06. Review status: criteria provided, single submitter. Criteria: ACMG Guidelines, 2015. Collection method: clinical testing. Allele origin: germline. Affected: yes. Observed: 5 variant alleles. Not counted in ClinVar's aggregate classification.

Fulgent Genetics
Classification: Pathogenic for Autosomal recessive limb-girdle muscular dystrophy type 2A; Muscular dystrophy, limb-girdle, autosomal dominant 4. Last evaluated: 2024-04-06. Review status: criteria provided, single submitter. Criteria: ACMG Guidelines, 2015. Collection method: clinical testing. Allele origin: germline. Not counted in ClinVar's aggregate classification.

Baylor Genetics
Classification: Likely pathogenic for Muscular dystrophy, limb-girdle, autosomal dominant 4. Last evaluated: 2024-03-26. Review status: criteria provided, single submitter. Criteria: ACMG Guidelines, 2015. Collection method: clinical testing. Allele origin: unknown. Not counted in ClinVar's aggregate classification.

NM_000070.3(CAPN3):c.2393C>A (p.Ala798Glu)

Gene: CAPN3 (calpain 3; plus strand). Cytogenetic location: 15q15.1.
Variant type: single nucleotide variant.
Coding change: c.2393C>A on transcript NM_000070.3 (MANE Select); coding-DNA position 2393, C replaced by A.
Protein change: p.Ala798Glu; replaces alanine 798 with glutamic acid.
Molecular consequence: missense variant.
Genome position (GRCh38, 1-based): chr15:42,411,299, C>A. VCF-style: chr15-42411299-C-A. GRCh37 (hg19) VCF-style: chr15-42703497-C-A.
Other names: NM_000070.3(CAPN3):c.2393C>A; c.2375C>A, p.Ala792Glu (NM_024344.2); c.2117C>A, p.Ala706Glu (NM_173087.2); c.857C>A, p.Ala286Glu (NM_173088.2); c.398C>A, p.Ala133Glu (NM_173089.2, NM_173090.2); short protein forms A798E, A133E, A706E, A792E, A286E.
Identifiers: ClinVar variation 92414 (VCV000092414.40), dbSNP rs149095128, ClinGen allele CA220348.
Genomic context (GRCh38, chr15:42,411,299, plus strand): 5'-GGCGGAGTGCGCCTGTAACTGGCCTCTGGCCTGTGCATTCTTTCACAGGAGCTTTTCATG[C>A]ATTTGACAAGGATGGAGATGGTATCATCAAGCTCAACGTTCTGGAGGTAAAGCATAGGCA-3'
Protein context (NP_000061.1, residues 788-808): RLEGMFRAFH[Ala798Glu]FDKDGDGIIK